The following is an entry in ClinVar:

NM_000257.4(MYH7):c.2389G>T (p.Ala797Ser)

Genes: MYH7 (myosin heavy chain 7; minus strand), LOC126861898 (BRD4-independent group 4 enhancer GRCh37_chr14:23893609-23894808; plus strand). Cytogenetic location: 14q11.2.
Variant type: single nucleotide variant.
Coding change: c.2389G>T on transcript NM_000257.4 (MANE Select); coding-DNA position 2389, G replaced by T.
Protein change: p.Ala797Ser; replaces alanine 797 with serine.
Molecular consequence: missense variant.
Genome position (GRCh38, 1-based): chr14:23,425,316, C>A on the plus strand (G>T on the coding strand, the complement: MYH7 is on the minus strand). VCF-style: chr14-23425316-C-A. GRCh37 (hg19) VCF-style: chr14-23894525-C-A.
Other names: c.2389G>T, p.Ala797Ser (NM_001407004.1); short protein forms A797S.
Identifiers: ClinVar variation 4756675 (VCV004756675.1).

ClinVar aggregate classification (germline): Uncertain significance (1 of 4 stars; one submission).

Conditions:
Cardiomyopathy (CMYO). Also called: Cardiomyopathies. Identifiers: Orphanet 167848, MedGen C0878544, MONDO:0004994, HP:0001638. Inheritance: Various modes of inheritance.

gnomAD v4.1: 1 of 1,614,152 alleles (0.000062%); highest among the groups gnomAD compares: South Asian, 0.0011%; no homozygotes.

Submission:

Color Diagnostics, LLC DBA Color Health
Classification: Uncertain significance for Cardiomyopathy. Last evaluated: 2025-05-26. Review status: criteria provided, single submitter. Criteria: ACMG Guidelines, 2015. Collection method: clinical testing. Allele origin: germline.
Comment: This missense variant replaces alanine with serine at codon 797 of the MYH7 protein. Computational prediction suggests that this variant may not impact protein structure and function. To our knowledge, functional studies have not been reported for this variant. This variant has not been reported in individuals affected with MYH7-related disorders in the literature. This variant has been identified in 1/251468 chromosomes in the general population by the Genome Aggregation Database (gnomAD). The available evidence is insufficient to determine the role of this variant in disease conclusively. Therefore, this variant is classified as a Variant of Uncertain Significance.